The following is an entry in ClinVar:

ClinVar aggregate classification (germline): Uncertain significance (1 of 4 stars; one submission).

Allele frequency attached by ClinVar (database versions not stated): TOPMed below 0.00001; gnomAD 0.00001; gnomAD exomes 0.00001.
gnomAD v4.1: 4 of 1,613,882 alleles (0.00025%); highest among the groups gnomAD compares: Admixed American, 0.0033%; no homozygotes.

Submission:

Labcorp Genetics (formerly Invitae), Labcorp
Classification: Uncertain significance. Last evaluated: 2022-03-10. Review status: criteria provided, single submitter. Criteria: Invitae Variant Classification Sherloc (09022015). Collection method: clinical testing. Allele origin: germline.
Comment: This variant is present in population databases (no rsID available, gnomAD 0.004%). This sequence change replaces proline, which is neutral and non-polar, with leucine, which is neutral and non-polar, at codon 58 of the ACBD5 protein (p.Pro58Leu). ClinVar contains an entry for this variant (Variation ID: 864199). In summary, the available evidence is currently insufficient to determine the role of this variant in disease. Therefore, it has been classified as a Variant of Uncertain Significance. Algorithms developed to predict the effect of missense changes on protein structure and function (SIFT, PolyPhen-2, Align-GVGD) all suggest that this variant is likely to be disruptive. This variant has not been reported in the literature in individuals affected with ACBD5-related conditions.

NM_145698.5(ACBD5):c.173C>T (p.Pro58Leu)

Genes: ACBD5 (acyl-CoA binding domain containing 5; minus strand), LOC130003557 (ATAC-STARR-seq lymphoblastoid active region 3182; plus strand). Cytogenetic location: 10p12.1.
Variant type: single nucleotide variant.
Coding change: c.173C>T on transcript NM_145698.5 (MANE Select); coding-DNA position 173, C replaced by T.
Protein change: p.Pro58Leu; replaces proline 58 with leucine.
Molecular consequence: missense variant. On other transcripts: 5 prime UTR variant (7).
Genome position (GRCh38, 1-based): chr10:27,240,327, G>A on the plus strand (C>T on the coding strand, the complement: ACBD5 is on the minus strand). VCF-style: chr10-27240327-G-A. GRCh37 (hg19) VCF-style: chr10-27529256-G-A.
Other names: c.68C>T, p.Pro23Leu (NM_001042473.4, NM_001352574.2, NM_001352575.2 and 6 more transcripts); c.167C>T, p.Pro56Leu (NM_001271512.3, NM_001352571.1, NM_001352586.1 and 1 more transcripts); c.-34C>T (NM_001301251.2, NM_001301252.2, NM_001301253.2 and 4 more transcripts); c.194C>T, p.Pro65Leu (NM_001352568.1, NM_001352572.1); c.173C>T, p.Pro58Leu (NM_001352569.1, NM_001352570.1, NM_001352573.1 and 2 more transcripts); short protein forms P65L, P23L, P56L, P58L.
Identifiers: ClinVar variation 864199 (VCV000864199.10), dbSNP rs1440980274, ClinGen allele CA376378590.
Genomic context (GRCh38, chr10:27,240,327, plus strand): 5'-GCTTTGGGGCTCTCTGCAGGAGGCGTCTACAGCCGGGGCCCAGCGCACGTACCATTCTTC[G>A]GCAAACTCTGGATCACCTTCACGGCCGCCTCAAACCTAGTCTCGTGCACGGATCTCGTGT-3'
Protein context (NP_663736.2, residues 48-68): EAAVKVIQSL[Pro58Leu]KNGSFQPTNE